The following is an entry in ClinVar:

ClinVar aggregate classification (germline): Uncertain significance. Review status: criteria provided, multiple submitters, no conflicts (2 of 4 stars). 2 submissions from 2 submitters: Uncertain significance (2). Last evaluated 2020-01-30.

Allele frequency attached by ClinVar (database versions not stated): gnomAD exomes below 0.00001.
gnomAD v4.1: 2 of 1,613,978 alleles (0.00012%); highest among the groups gnomAD compares: Non-Finnish European, 0.00017%; no homozygotes.

Submissions (2):

GeneDx
Classification: Uncertain significance. Last evaluated: 2020-01-30. Review status: criteria provided, single submitter. Criteria: GeneDx Variant Classification Process June 2021. Collection method: clinical testing. Allele origin: germline. Affected: yes.
Comment: Not observed in large population cohorts (Lek et al., 2016); In silico analysis, which includes protein predictors and evolutionary conservation, supports a deleterious effect; Has not been previously published as pathogenic or benign to our knowledge

Center for Pediatric Genomic Medicine, Children's Mercy Hospital and Clinics
Classification: Uncertain significance. Last evaluated: 2017-07-21. Review status: criteria provided, single submitter. Criteria: ACMG Guidelines, 2015. Collection method: clinical testing. Allele origin: germline.

NM_016628.5(WAC):c.437A>G (p.Tyr146Cys)

Gene: WAC (WW domain containing adaptor with coiled-coil; plus strand). Cytogenetic location: 10p12.1.
Variant type: single nucleotide variant.
Coding change: c.437A>G on transcript NM_016628.5 (MANE Select); coding-DNA position 437, A replaced by G.
Protein change: p.Tyr146Cys; replaces tyrosine 146 with cysteine.
Molecular consequence: missense variant.
Genome position (GRCh38, 1-based): chr10:28,589,791, A>G. VCF-style: chr10-28589791-A-G. GRCh37 (hg19) VCF-style: chr10-28878720-A-G.
Other names: c.302A>G, p.Tyr101Cys (NM_100264.3); c.437A>G, p.Tyr146Cys (NM_100486.4); short protein forms Y101C, Y146C.
Identifiers: ClinVar variation 445335 (VCV000445335.4), dbSNP rs1554787110, ClinGen allele CA376401374.
Genomic context (GRCh38, chr10:28,589,791, plus strand): 5'-TTAAGCCTTATGATTCTGCAGATGACTGGTCTGAGCATATTAGCTCTTCTGGGAAAAAGT[A>G]CTACTACAATTGTCGAACAGAAGTTTCACAATGGGAAAAACCAAAAGAGTGGCTTGAAAG-3'
Protein context (NP_057712.2, residues 136-156): SEHISSSGKK[Tyr146Cys]YYNCRTEVSQ